The following is an entry in ClinVar:

ClinVar aggregate classification (germline): Uncertain significance (1 of 4 stars; one submission).

Allele frequency attached by ClinVar (database versions not stated): gnomAD 0.00001.
gnomAD v4.1: 4 of 1,612,084 alleles (0.00025%); highest among the groups gnomAD compares: Admixed American, 0.0067%; no homozygotes.

Submission:

Labcorp Genetics (formerly Invitae), Labcorp
Classification: Uncertain significance. Last evaluated: 2022-05-05. Review status: criteria provided, single submitter. Criteria: Invitae Variant Classification Sherloc (09022015). Collection method: clinical testing. Allele origin: germline.
Comment: This sequence change replaces arginine, which is basic and polar, with serine, which is neutral and polar, at codon 167 of the SERPINH1 protein (p.Arg167Ser). This variant is present in population databases (rs764819709, gnomAD 0.006%). This variant has not been reported in the literature in individuals affected with SERPINH1-related conditions. Advanced modeling of protein sequence and biophysical properties (such as structural, functional, and spatial information, amino acid conservation, physicochemical variation, residue mobility, and thermodynamic stability) performed at Invitae indicates that this missense variant is not expected to disrupt SERPINH1 protein function. In summary, the available evidence is currently insufficient to determine the role of this variant in disease. Therefore, it has been classified as a Variant of Uncertain Significance.

NM_001235.5(SERPINH1):c.499C>A (p.Arg167Ser)

Gene: SERPINH1 (serpin family H member 1; plus strand). Cytogenetic location: 11q13.5.
Variant type: single nucleotide variant.
Coding change: c.499C>A on transcript NM_001235.5 (MANE Select); coding-DNA position 499, C replaced by A.
Protein change: p.Arg167Ser; replaces arginine 167 with serine.
Molecular consequence: missense variant.
Genome position (GRCh38, 1-based): chr11:75,566,848, C>A. VCF-style: chr11-75566848-C-A. GRCh37 (hg19) VCF-style: chr11-75277893-C-A.
Other names: c.499C>A, p.Arg167Ser (NM_001207014.3); short protein forms R167S.
Identifiers: ClinVar variation 1927005 (VCV001927005.5), dbSNP rs764819709, ClinGen allele CA6190826.